The following is an entry in ClinVar:

ClinVar aggregate classification (germline): Uncertain significance (1 of 4 stars; one submission).

Conditions:
Baller-Gerold syndrome (BGS). Also called: CRANIOSYNOSTOSIS WITH RADIAL DEFECTS. Identifiers: Orphanet 1225, MedGen C0265308, MONDO:0009039, OMIM 218600.

Submission:

Labcorp Genetics (formerly Invitae), Labcorp
Classification: Uncertain significance for Baller-Gerold syndrome. Last evaluated: 2022-11-09. Review status: criteria provided, single submitter. Criteria: Invitae Variant Classification Sherloc (09022015). Collection method: clinical testing. Allele origin: germline.
Comment: In summary, the available evidence is currently insufficient to determine the role of this variant in disease. Therefore, it has been classified as a Variant of Uncertain Significance. Algorithms developed to predict the effect of sequence changes on RNA splicing suggest that this variant may disrupt the consensus splice site. Experimental studies and prediction algorithms are not available or were not evaluated, and the functional significance of this variant is currently unknown. This variant has not been reported in the literature in individuals affected with RECQL4-related conditions. This variant is not present in population databases (gnomAD no frequency). This variant, c.2263_2265del, results in the deletion of 1 amino acid(s) of the RECQL4 protein (p.Arg755del), but otherwise preserves the integrity of the reading frame.

NM_004260.4(RECQL4):c.2257CGG[2] (p.Arg755del)

Gene: RECQL4 (RecQ like helicase 4; minus strand). Cytogenetic location: 8q24.3.
Variant type: Microsatellite.
Coding change: c.2257CGG[2] on transcript NM_004260.4 (MANE Select); two copies in a row of the 3-base unit CGG starting at c.2257; the reference has three copies in a row; one copy, 3 bases deleted.
Protein change: p.Arg755del; deletes arginine 755.
Molecular consequence: inframe deletion.
Genome position (GRCh38, 1-based): chr8:144,513,416-144,513,418, CCG deleted on the plus strand (CGG on the coding strand, the reverse complement: RECQL4 is on the minus strand); deleting any 3 consecutive bases within chr8:144,513,416-144,513,424 gives the same sequence; the position shown is the placement nearest the transcript's 3' end. VCF-style (leftmost placement, unchanged base first): chr8-144513415-CCCG-C. GRCh37 (hg19) VCF-style: chr8-145738799-CCCG-C.
Other names: short protein forms R755del.
Identifiers: ClinVar variation 1369091 (VCV001369091.6), dbSNP rs751765974, ClinGen allele CA4948355.